The following is an entry in ClinVar:

NM_004727.3(SLC24A1):c.60del (p.His21fs)

Gene: SLC24A1 (solute carrier family 24 member 1; plus strand). Cytogenetic location: 15q22.31.
Variant type: Deletion.
Coding change: c.60del on transcript NM_004727.3 (MANE Select); coding-DNA position 60, one base deleted (T; older notation c.60delT).
Protein change: p.His21fs; shifts the reading frame from histidine 21.
Molecular consequence: frameshift variant.
Genome position (GRCh38, 1-based): chr15:65,624,140, T deleted; the last of 2 consecutive T bases (chr15:65,624,139-65,624,140); deleting either gives the same sequence. VCF-style (leftmost placement, unchanged base first): chr15-65624138-CT-C. GRCh37 (hg19) VCF-style: chr15-65916476-CT-C.
Other names: c.60del, p.His21fs (NM_001301031.1, NM_001301032.1, NM_001301033.2 and 1 more transcripts); short protein forms H21fs.
Identifiers: ClinVar variation 4798469 (VCV004798469.1).

ClinVar aggregate classification (germline): Pathogenic (1 of 4 stars; one submission).

Submission:

Labcorp Genetics (formerly Invitae), Labcorp
Classification: Pathogenic. Last evaluated: 2025-02-27. Review status: criteria provided, single submitter. Criteria: Invitae Variant Classification Sherloc (09022015). Collection method: clinical testing. Allele origin: germline.
Comment: This sequence change creates a premature translational stop signal (p.His21Ilefs*12) in the SLC24A1 gene. It is expected to result in an absent or disrupted protein product. Loss-of-function variants in SLC24A1 are known to be pathogenic (PMID: 20850105, 26822852). This variant is not present in population databases (gnomAD no frequency). This variant has not been reported in the literature in individuals affected with SLC24A1-related conditions. For these reasons, this variant has been classified as Pathogenic.

Literature cited by the submitters: PubMed 20850105; PubMed 26822852.